The following is an entry in ClinVar:

ClinVar aggregate classification (germline): Uncertain significance. Review status: criteria provided, multiple submitters, no conflicts (2 of 4 stars). 4 submissions from 4 submitters: Uncertain significance (3). 1 of the submissions does not count toward it. Last evaluated 2025-05-21.

Conditions:
Hereditary cancer-predisposing syndrome. Also called: Hereditary neoplastic syndrome; Neoplastic Syndromes, Hereditary; Tumor predisposition; Hereditary Cancer Syndrome. Identifiers: Orphanet 140162, MedGen C0027672, MeSH D009386, MONDO:0015356.
Ataxia-telangiectasia syndrome (AT). Also called: LOUIS-BAR SYNDROME; Cerebello-oculocutaneous telangiectasia; Immunodeficiency with ataxia telangiectasia; AT, COMPLEMENTATION GROUP C; Ataxia-telangiectasia, complementation group D; ATAXIA-TELANGIECTASIA, COMPLEMENTATION GROUP A. Identifiers: Orphanet 100, MedGen C0004135, MONDO:0008840, OMIM 208900.

Allele frequency attached by ClinVar (database versions not stated): gnomAD exomes below 0.00001; TOPMed below 0.00001; gnomAD 0.00003.
gnomAD v4.1: 2 of 1,607,534 alleles (0.00012%); highest among the groups gnomAD compares: Non-Finnish European, 0.00017%; no homozygotes.

Submissions (4):

Ambry Genetics
Classification: Uncertain significance for Hereditary cancer-predisposing syndrome. Last evaluated: 2025-05-21. Review status: criteria provided, single submitter. Criteria: Ambry Variant Classification Scheme 2023. Collection method: clinical testing. Allele origin: germline.
Comment: The p.D1563N variant (also known as c.4687G>A), located in coding exon 30 of the ATM gene, results from a G to A substitution at nucleotide position 4687. The aspartic acid at codon 1563 is replaced by asparagine, an amino acid with highly similar properties. This amino acid position is well conserved in available vertebrate species. In addition, this alteration is predicted to be tolerated by in silico analysis. Based on the available evidence, the clinical significance of this variant remains unclear.

Labcorp Genetics (formerly Invitae), Labcorp
Classification: Uncertain significance for Ataxia-telangiectasia syndrome. Last evaluated: 2024-04-05. Review status: criteria provided, single submitter. Criteria: Invitae Variant Classification Sherloc (09022015). Collection method: clinical testing. Allele origin: germline.
Comment: This sequence change replaces aspartic acid, which is acidic and polar, with asparagine, which is neutral and polar, at codon 1563 of the ATM protein (p.Asp1563Asn). This variant is present in population databases (no rsID available, gnomAD 0.007%). This missense change has been observed in individual(s) with colorectal cancer (PMID: 27978560). ClinVar contains an entry for this variant (Variation ID: 482623). An algorithm developed to predict the effect of missense changes on protein structure and function (PolyPhen-2) suggests that this variant is likely to be tolerated. In summary, the available evidence is currently insufficient to determine the role of this variant in disease. Therefore, it has been classified as a Variant of Uncertain Significance.

Color Diagnostics, LLC DBA Color Health
Classification: Uncertain significance for Hereditary cancer-predisposing syndrome. Last evaluated: 2019-02-21. Review status: criteria provided, single submitter. Criteria: ACMG Guidelines, 2015. Collection method: clinical testing. Allele origin: germline.

Natera, Inc.
Classification: Uncertain significance for Ataxia-telangiectasia. Last evaluated: 2021-09-24. Review status: no assertion criteria provided. Collection method: clinical testing. Allele origin: germline. Not counted in ClinVar's aggregate classification.

Literature cited by the submitters: PubMed 27978560 (cited by Labcorp Genetics (formerly Invitae), Labcorp).

NM_000051.4(ATM):c.4687G>A (p.Asp1563Asn)

Gene: ATM (ATM serine/threonine kinase; plus strand). Cytogenetic location: 11q22.3.
Variant type: single nucleotide variant.
Coding change: c.4687G>A on transcript NM_000051.4 (MANE Select); coding-DNA position 4687, G replaced by A.
Protein change: p.Asp1563Asn; replaces aspartic acid 1563 with asparagine.
Molecular consequence: missense variant.
Genome position (GRCh38, 1-based): chr11:108,293,388, G>A. VCF-style: chr11-108293388-G-A. GRCh37 (hg19) VCF-style: chr11-108164115-G-A.
Other names: c.4687G>A, p.Asp1563Asn (NM_001351834.2); short protein forms D1563N.
Identifiers: ClinVar variation 482623 (VCV000482623.23), dbSNP rs1464587365, ClinGen allele CA382534779.
Genomic context (GRCh38, chr11:108,293,388, plus strand): 5'-AAATACTTAGTGATAGATAACAAGGATAATGAAAACCTCTATATCACGATTAAGCTTTTA[G>A]ATCCTTTTCCTGACCATGTTGTTTTTAAGGATTTGCGTATTACTCAGCAAAAAATCAAAT-3'
Protein context (NP_000042.3, residues 1553-1573): ENLYITIKLL[Asp1563Asn]PFPDHVVFKD